The following is an entry in ClinVar:

ClinVar aggregate classification (germline): Uncertain significance (1 of 4 stars; one submission).

Conditions:
Primary familial hypertrophic cardiomyopathy (HCM). Identifiers: Orphanet 99739, MedGen C0949658, MeSH D024741, MONDO:0024573. Inheritance: Various modes of inheritance.
Dilated cardiomyopathy 1AA (CMD1AA). Also called: Cardiomyopathy, dilated, 1AA, with or without LVNC; CARDIOMYOPATHY, DILATED, 1AA, WITH OR WITHOUT LEFT VENTRICULAR NONCOMPACTION; CARDIOMYOPATHY, FAMILIAL HYPERTROPHIC, 23, WITH OR WITHOUT LEFT VENTRICULAR NONCOMPACTION. Identifiers: Orphanet 154, MedGen C2677338, MONDO:0012808, OMIM 612158.

Submission:

Labcorp Genetics (formerly Invitae), Labcorp
Classification: Uncertain significance for Primary familial hypertrophic cardiomyopathy; Dilated cardiomyopathy 1AA. Last evaluated: 2020-02-17. Review status: criteria provided, single submitter. Criteria: Invitae Variant Classification Sherloc (09022015). Collection method: clinical testing. Allele origin: germline.
Comment: Algorithms developed to predict the effect of missense changes on protein structure and function (SIFT, PolyPhen-2, Align-GVGD) all suggest that this variant is likely to be disruptive, but these predictions have not been confirmed by published functional studies and their clinical significance is uncertain. In summary, the available evidence is currently insufficient to determine the role of this variant in disease. Therefore, it has been classified as a Variant of Uncertain Significance. This variant has not been reported in the literature in individuals with ACTN2-related conditions. This variant is not present in population databases (ExAC no frequency). This sequence change replaces glycine with alanine at codon 723 of the ACTN2 protein (p.Gly723Ala). The glycine residue is highly conserved and there is a small physicochemical difference between glycine and alanine.

NM_001103.4(ACTN2):c.2168G>C (p.Gly723Ala)

Gene: ACTN2 (actinin alpha 2; plus strand). Cytogenetic location: 1q43.
Variant type: single nucleotide variant.
Coding change: c.2168G>C on transcript NM_001103.4 (MANE Select); coding-DNA position 2168, G replaced by C.
Protein change: p.Gly723Ala; replaces glycine 723 with alanine.
Molecular consequence: missense variant.
Genome position (GRCh38, 1-based): chr1:236,757,499, G>C. VCF-style: chr1-236757499-G-C. GRCh37 (hg19) VCF-style: chr1-236920799-G-C.
Other names: c.2168G>C, p.Gly723Ala (NM_001278343.2); c.1544G>C, p.Gly515Ala (NM_001278344.2); short protein forms G515A, G723A.
Identifiers: ClinVar variation 946897 (VCV000946897.10), dbSNP rs906925808, ClinGen allele CA345388633.